The following is an entry in ClinVar:

ClinVar aggregate classification (germline): Uncertain significance (1 of 4 stars; one submission).

Conditions:
Hereditary cancer-predisposing syndrome. Also called: Neoplastic Syndromes, Hereditary; Tumor predisposition; Hereditary Cancer Syndrome; Hereditary neoplastic syndrome. Identifiers: Orphanet 140162, MedGen C0027672, MeSH D009386, MONDO:0015356.

gnomAD v4.1: 3 of 1,614,122 alleles (0.00019%); highest among the groups gnomAD compares: Non-Finnish European, 0.00025%; no homozygotes.

Submission:

Ambry Genetics
Classification: Uncertain significance for Hereditary cancer-predisposing syndrome. Last evaluated: 2024-08-14. Review status: criteria provided, single submitter. Criteria: Ambry Variant Classification Scheme 2023. Collection method: clinical testing. Allele origin: germline.
Comment: The p.T131S variant (also known as c.391A>T), located in coding exon 3 of the APC gene, results from an A to T substitution at nucleotide position 391. The threonine at codon 131 is replaced by serine, an amino acid with similar properties. This amino acid position is conserved. In addition, in silico predictors for this gene do not accurately predict pathogenicity. Based on the available evidence, the clinical significance of this variant remains unclear.

NM_000038.6(APC):c.391A>T (p.Thr131Ser)

Gene: APC (APC regulator of Wnt signaling pathway; plus strand). Cytogenetic location: 5q22.2.
Variant type: single nucleotide variant.
Coding change: c.391A>T on transcript NM_000038.6 (MANE Select); coding-DNA position 391, A replaced by T.
Protein change: p.Thr131Ser; replaces threonine 131 with serine.
Molecular consequence: missense variant. On other transcripts: 5 prime UTR variant (4), non-coding transcript variant (2).
Genome position (GRCh38, 1-based): chr5:112,767,359, A>T. VCF-style: chr5-112767359-A-T. GRCh37 (hg19) VCF-style: chr5-112103056-A-T.
Other names: c.391A>T, p.Thr131Ser (NM_001127510.3, NM_001354895.2, NM_001354896.2 and 16 more transcripts); c.421A>T, p.Thr141Ser (NM_001127511.3, NM_001354897.2, NM_001354902.2 and 1 more transcripts); c.316A>T, p.Thr106Ser (NM_001354898.2, NM_001354904.2, NM_001407451.1); c.214A>T, p.Thr72Ser (NM_001354900.2, NM_001354901.2, NM_001354905.2 and 1 more transcripts); c.-645A>T (NM_001354906.2, NM_001407470.1, NM_001407471.1 and 1 more transcripts); short protein forms T106S, T131S, T141S, T72S.
Identifiers: ClinVar variation 3410195 (VCV003410195.1).
Genomic context (GRCh38, chr5:112,767,359, plus strand): 5'-AGTCCTGTTCCTATGGGTTCATTTCCAAGAAGAGGGTTTGTAAATGGAAGCAGAGAAAGT[A>T]CTGGATATTTAGAAGAACTTGAGAAAGAGAGGTAACTTTTCTTCATATAGTAAACATTGC-3'
Protein context (NP_000029.2, residues 121-141): RGFVNGSRES[Thr131Ser]GYLEELEKER